The following is an entry in ClinVar:

ClinVar aggregate classification (germline): Uncertain significance (1 of 4 stars; one submission).

Conditions:
Duchenne muscular dystrophy (DMD). Also called: Duchenne Muscular Dystrophy (DMD); MUSCULAR DYSTROPHY, PSEUDOHYPERTROPHIC PROGRESSIVE, DUCHENNE TYPE. Identifiers: Orphanet 98896, MedGen C0013264, MONDO:0010679, OMIM 310200.

Submission:

Labcorp Genetics (formerly Invitae), Labcorp
Classification: Uncertain significance for Duchenne muscular dystrophy. Last evaluated: 2021-02-15. Review status: criteria provided, single submitter. Criteria: Invitae Variant Classification Sherloc (09022015). Collection method: clinical testing. Allele origin: germline.
Comment: This sequence change replaces proline with leucine at codon 1121 of the DMD protein (p.Pro1121Leu). The proline residue is highly conserved and there is a moderate physicochemical difference between proline and leucine. This variant is not present in population databases (ExAC no frequency). This variant has not been reported in the literature in individuals with DMD-related conditions. Algorithms developed to predict the effect of missense changes on protein structure and function are either unavailable or do not agree on the potential impact of this missense change (SIFT: "Tolerated"; PolyPhen-2: "Probably Damaging"; Align-GVGD: "Class C0"). In summary, the available evidence is currently insufficient to determine the role of this variant in disease. Therefore, it has been classified as a Variant of Uncertain Significance.

NM_004006.3(DMD):c.3362C>T (p.Pro1121Leu)

Gene: DMD (dystrophin; minus strand). Cytogenetic location: Xp21.1.
Variant type: single nucleotide variant.
Coding change: c.3362C>T on transcript NM_004006.3 (MANE Select); coding-DNA position 3362, C replaced by T.
Protein change: p.Pro1121Leu; replaces proline 1121 with leucine.
Molecular consequence: missense variant.
Genome position (GRCh38, 1-based): chrX:32,463,509, G>A on the plus strand (C>T on the coding strand, the complement: DMD is on the minus strand). VCF-style: chrX-32463509-G-A. GRCh37 (hg19) VCF-style: chrX-32481626-G-A.
Other names: c.3338C>T, p.Pro1113Leu (NM_000109.4); c.3350C>T, p.Pro1117Leu (NM_004009.3); c.2993C>T, p.Pro998Leu (NM_004010.3); short protein forms P1113L, P1117L, P1121L, P998L.
Identifiers: ClinVar variation 1480597 (VCV001480597.8), dbSNP rs1557369441, ClinGen allele CA412664440.